The following is an entry in ClinVar:

ClinVar aggregate classification (germline): Uncertain significance (1 of 4 stars; one submission).

Conditions:
Myopathy, proximal, and ophthalmoplegia (CMYO6). Also called: INCLUSION BODY MYOPATHY 3, AUTOSOMAL DOMINANT; MYOPATHY WITH CONGENITAL JOINT CONTRACTURES, OPHTHALMOPLEGIA, AND RIMMED VACUOLES; CONGENITAL MYOPATHY 6 WITH OPHTHALMOPLEGIA. Identifiers: Orphanet 363677, Orphanet 79091, MedGen C1854106, MONDO:0011577, OMIM 605637.

Submission:

Labcorp Genetics (formerly Invitae), Labcorp
Classification: Uncertain significance for Myopathy, proximal, and ophthalmoplegia. Last evaluated: 2020-03-23. Review status: criteria provided, single submitter. Criteria: Invitae Variant Classification Sherloc (09022015). Collection method: clinical testing. Allele origin: germline.
Comment: In summary, the available evidence is currently insufficient to determine the role of this variant in disease. Therefore, it has been classified as a Variant of Uncertain Significance. This sequence change replaces alanine with threonine at codon 1840 of the MYH2 protein (p.Ala1840Thr). The alanine residue is moderately conserved and there is a small physicochemical difference between alanine and threonine. This variant is not present in population databases (ExAC no frequency). This variant has not been reported in the literature in individuals with MYH2-related conditions. Algorithms developed to predict the effect of missense changes on protein structure and function (SIFT, PolyPhen-2, Align-GVGD) all suggest that this variant is likely to be tolerated, but these predictions have not been confirmed by published functional studies and their clinical significance is uncertain.

NM_017534.6(MYH2):c.5518G>A (p.Ala1840Thr)

Genes: MYH2 (myosin heavy chain 2; minus strand), MYHAS (myosin heavy chain gene cluster antisense RNA; plus strand). Cytogenetic location: 17p13.1.
Variant type: single nucleotide variant.
Coding change: c.5518G>A on transcript NM_017534.6 (MANE Select); coding-DNA position 5518, G replaced by A.
Protein change: p.Ala1840Thr; replaces alanine 1840 with threonine.
Molecular consequence: missense variant.
Genome position (GRCh38, 1-based): chr17:10,523,367, C>T on the plus strand (G>A on the coding strand, the complement: MYH2 is on the minus strand). VCF-style: chr17-10523367-C-T. GRCh37 (hg19) VCF-style: chr17-10426684-C-T.
Other names: c.5518G>A, p.Ala1840Thr (NM_001100112.2); short protein forms A1840T.
Identifiers: ClinVar variation 1024998 (VCV001024998.5), dbSNP rs2073307748, ClinGen allele CA398115130.